The following is an entry in ClinVar:

NM_024422.6(DSC2):c.2644G>A (p.Glu882Lys)

Gene: DSC2 (desmocollin 2; minus strand). Cytogenetic location: 18q12.1.
Variant type: single nucleotide variant.
Coding change: c.2644G>A on transcript NM_024422.6 (MANE Select); coding-DNA position 2644, G replaced by A.
Protein change: p.Glu882Lys; replaces glutamic acid 882 with lysine.
Molecular consequence: missense variant. On other transcripts: 3 prime UTR variant (1).
Genome position (GRCh38, 1-based): chr18:31,068,077, C>T on the plus strand (G>A on the coding strand, the complement: DSC2 is on the minus strand). VCF-style: chr18-31068077-C-T. GRCh37 (hg19) VCF-style: chr18-28648043-C-T.
Other names: c.*146G>A (NM_004949.5); short protein forms E882K.
Identifiers: ClinVar variation 927699 (VCV000927699.14), dbSNP rs1352394486, ClinGen allele CA402110233.

ClinVar aggregate classification (germline): Uncertain significance. Review status: criteria provided, multiple submitters, no conflicts (2 of 4 stars). 5 submissions from 5 submitters: Uncertain significance (5). Last evaluated 2026-02-10.

Conditions:
Familial isolated arrhythmogenic right ventricular dysplasia. Identifiers: Orphanet 217656, MedGen C4274968, MONDO:0016342.
Cardiomyopathy (CMYO). Also called: Cardiomyopathies. Identifiers: Orphanet 167848, MedGen C0878544, MONDO:0004994, HP:0001638. Inheritance: Various modes of inheritance.
Arrhythmogenic right ventricular dysplasia 11. Also called: ARRHYTHMOGENIC RIGHT VENTRICULAR DYSPLASIA, FAMILIAL, 11; Arrhythmogenic Right Ventricular Dysplasia/Cardiomyopathy11; Arrhythmogenic right ventricular dysplasia 11 with mild palmoplantar keratoderma and woolly hair. Identifiers: MedGen C1864850, MONDO:0012506, OMIM 610476.

Allele frequency attached by ClinVar (database versions not stated): gnomAD exomes 0.00002.
gnomAD v4.1: 11 of 1,613,998 alleles (0.00068%); highest among the groups gnomAD compares: Non-Finnish European, 0.00093%; no homozygotes.

Submissions (5):

GeneDx
Classification: Uncertain significance. Last evaluated: 2026-02-10. Review status: criteria provided, single submitter. Criteria: GeneDx Variant Classification Process June 2021. Collection method: clinical testing. Allele origin: germline.
Comment: Not observed at significant frequency in large population cohorts (gnomAD); In silico analysis suggests that this missense variant does not alter protein structure/function; Has not been previously published as pathogenic or benign to our knowledge

Labcorp Genetics (formerly Invitae), Labcorp
Classification: Uncertain significance for Arrhythmogenic right ventricular dysplasia 11. Last evaluated: 2025-05-19. Review status: criteria provided, single submitter. Criteria: Invitae Variant Classification Sherloc (09022015). Collection method: clinical testing. Allele origin: germline.
Comment: This sequence change replaces glutamic acid, which is acidic and polar, with lysine, which is basic and polar, at codon 882 of the DSC2 protein (p.Glu882Lys). This variant is present in population databases (no rsID available, gnomAD 0.007%). This variant has not been reported in the literature in individuals affected with DSC2-related conditions. ClinVar contains an entry for this variant (Variation ID: 927699). An algorithm developed to predict the effect of missense changes on protein structure and function (PolyPhen-2) suggests that this variant is likely to be disruptive. In summary, the available evidence is currently insufficient to determine the role of this variant in disease. Therefore, it has been classified as a Variant of Uncertain Significance.

Institute of Immunology and Genetics Kaiserslautern
Classification: Uncertain significance for Arrhythmogenic right ventricular dysplasia 11. Last evaluated: 2024-11-07. Review status: criteria provided, single submitter. Criteria: ACMG Guidelines, 2015. Collection method: clinical testing. Allele origin: germline. Affected: yes.
Comment: ACMG Criteria: PM2_P; Variant was found in heterozygous state

Color Diagnostics, LLC DBA Color Health
Classification: Uncertain significance for Cardiomyopathy. Last evaluated: 2024-03-06. Review status: criteria provided, single submitter. Criteria: ACMG Guidelines, 2015. Collection method: clinical testing. Allele origin: germline.
Comment: This missense variant replaces glutamic acid with lysine at codon 882 of the DSC2 protein. Computational prediction is inconclusive regarding the impact of this variant on protein structure and function (internally defined REVEL score threshold 0.5 < inconclusive < 0.7, PMID: 27666373). To our knowledge, functional studies have not been reported for this variant. This variant has not been reported in individuals affected with DSC2-related disorders in the literature. This variant has been identified in 1/31388 chromosomes in the general population by the Genome Aggregation Database (gnomAD). The available evidence is insufficient to determine the role of this variant in disease conclusively. Therefore, this variant is classified as a Variant of Uncertain Significance.

All of Us Research Program, National Institutes of Health
Classification: Uncertain significance for Familial isolated arrhythmogenic right ventricular dysplasia. Last evaluated: 2023-05-16. Review status: criteria provided, single submitter. Criteria: ACMG Guidelines, 2015. Collection method: clinical testing. Allele origin: germline. Inheritance: Autosomal dominant inheritance. Observed: 1 variant allele, 1 heterozygote.
Comment: This missense variant replaces glutamic acid with lysine at codon 882 of the DSC2 protein. Computational prediction tools and conservation analyses are inconclusive regarding the impact of this variant on the protein function. Computational splicing tools suggest that this variant may not impact RNA splicing. To our knowledge, functional assays have not been performed for this variant nor has this variant been reported in individuals affected with cardiovascular disorders in the literature. This variant has been identified in 1/31388 chromosomes in the general population by the Genome Aggregation Database (gnomAD). Available evidence is insufficient to determine the role of this variant in disease conclusively. Therefore, this variant is classified as a Variant of Uncertain Significance.

This study involves interpretation of variants in research participants for the purpose of population health screening. Participant phenotype was not available at the time of variant classification. Additional details can be found in publication PMID: 35346344, PMCID: PMC8962531